The following is an entry in ClinVar:

NM_001378454.1(ALMS1):c.8281C>G (p.Pro2761Ala)

Gene: ALMS1 (ALMS1 centrosome and basal body associated protein; plus strand). Cytogenetic location: 2p13.1.
Variant type: single nucleotide variant.
Coding change: c.8281C>G on transcript NM_001378454.1 (MANE Select); coding-DNA position 8281, C replaced by G.
Protein change: p.Pro2761Ala; replaces proline 2761 with alanine.
Molecular consequence: missense variant.
Genome position (GRCh38, 1-based): chr2:73,490,240, C>G. VCF-style: chr2-73490240-C-G. GRCh37 (hg19) VCF-style: chr2-73717367-C-G.
Other names: c.8284C>G, p.Pro2762Ala (NM_015120.4); short protein forms P2762A, P2761A.
Identifiers: ClinVar variation 426304 (VCV000426304.17), dbSNP rs369650940, ClinGen allele CA1714439.

ClinVar aggregate classification (germline): Conflicting classifications of pathogenicity. Review status: criteria provided, conflicting classifications (1 of 4 stars). 7 submissions from 7 submitters: Uncertain significance (5); Likely benign (1). 1 of the submissions does not count toward it. Last evaluated 2025-09-22.

Conditions:
Cardiovascular phenotype. Identifiers: MedGen CN230736.
Alstrom syndrome (ALMS). Identifiers: Orphanet 64, MedGen C0268425, MONDO:0008763, OMIM 203800.

Allele frequency attached by ClinVar (database versions not stated): ESP Exome Variant Server 0.00008; TOPMed 0.00016.
gnomAD v4.1: 61 of 1,613,952 alleles (0.0038%); highest among the groups gnomAD compares: African/African-American, 0.063%; no homozygotes.

Submissions (7):

GeneDx
Classification: Uncertain significance. Last evaluated: 2025-09-22. Review status: criteria provided, single submitter. Criteria: GeneDx Variant Classification Process June 2021. Collection method: clinical testing. Allele origin: germline. Affected: yes.
Comment: In silico analysis suggests that this missense variant does not alter protein structure/function; Has not been previously published as pathogenic or benign to our knowledge

Women's Health and Genetics/Laboratory Corporation of America, LabCorp
Classification: Uncertain significance. Last evaluated: 2023-07-09. Review status: criteria provided, single submitter. Criteria: LabCorp Variant Classification Summary - May 2015. Collection method: clinical testing. Allele origin: germline.

Blueprint Genetics
Classification: Uncertain significance. Last evaluated: 2022-11-17. Review status: criteria provided, single submitter. Criteria: ACMG Guidelines, 2015. Collection method: clinical testing. Allele origin: germline.

Labcorp Genetics (formerly Invitae), Labcorp
Classification: Uncertain significance for Alstrom syndrome. Last evaluated: 2022-08-05. Review status: criteria provided, single submitter. Criteria: Invitae Variant Classification Sherloc (09022015). Collection method: clinical testing. Allele origin: germline.
Comment: This sequence change replaces proline, which is neutral and non-polar, with alanine, which is neutral and non-polar, at codon 2762 of the ALMS1 protein (p.Pro2762Ala). This variant is present in population databases (rs369650940, gnomAD 0.08%). This variant has not been reported in the literature in individuals affected with ALMS1-related conditions. ClinVar contains an entry for this variant (Variation ID: 426304). In summary, the available evidence is currently insufficient to determine the role of this variant in disease. Therefore, it has been classified as a Variant of Uncertain Significance.

Fulgent Genetics
Classification: Uncertain significance for Alstrom syndrome. Last evaluated: 2022-04-28. Review status: criteria provided, single submitter. Criteria: ACMG Guidelines, 2015. Collection method: clinical testing. Allele origin: unknown.

Ambry Genetics
Classification: Likely benign for Cardiovascular phenotype. Last evaluated: 2021-11-17. Review status: criteria provided, single submitter. Criteria: Ambry Variant Classification Scheme 2023. Collection method: clinical testing. Allele origin: germline.

Natera, Inc.
Classification: Uncertain significance for Alstrom syndrome. Last evaluated: 2021-10-15. Review status: no assertion criteria provided. Collection method: clinical testing. Allele origin: germline. Not counted in ClinVar's aggregate classification.